The following is an entry in ClinVar:

NM_000392.5(ABCC2):c.4203C>T (p.Tyr1401=)

Gene: ABCC2 (ATP binding cassette subfamily C member 2; plus strand). Cytogenetic location: 10q24.2.
Variant type: single nucleotide variant.
Coding change: c.4203C>T on transcript NM_000392.5 (MANE Select); coding-DNA position 4203, C replaced by T.
Protein change: p.Tyr1401=; no amino-acid change (tyrosine 1401 retained).
Molecular consequence: synonymous variant.
Genome position (GRCh38, 1-based): chr10:99,847,017, C>T. VCF-style: chr10-99847017-C-T. GRCh37 (hg19) VCF-style: chr10-101606774-C-T.
Identifiers: ClinVar variation 2640753 (VCV002640753.27), dbSNP rs368800587, ClinGen allele CA5644075.
Genomic context (GRCh38, chr10:99,847,017, plus strand): 5'-GCAGGACCCCATCCTGTTCTCTGGAAGCCTGAGGATGAATCTCGACCCTTTCAACAACTA[C>T]TCAGATGAGGAGATTTGGAAGGCCTTGGAGCTGGCTCACCTCAAGTCTTTTGTGGCCAGC-3'
Protein context (NP_000383.2, residues 1391-1411): LRMNLDPFNN[Tyr1401=]SDEEIWKALE

ClinVar aggregate classification (germline): Likely benign. Review status: criteria provided, multiple submitters, no conflicts (2 of 4 stars). 2 submissions from 2 submitters: Likely benign (2). Last evaluated 2024-03-16.

Allele frequency attached by ClinVar (database versions not stated): gnomAD 0.00001; gnomAD exomes 0.00002; ExAC 0.00004; TOPMed 0.00004; ESP Exome Variant Server 0.00008.
gnomAD v4.1: 27 of 1,614,104 alleles (0.0017%); highest among the groups gnomAD compares: Middle Eastern, 0.033%; no homozygotes.

Submissions (2):

Labcorp Genetics (formerly Invitae), Labcorp
Classification: Likely benign. Last evaluated: 2024-03-16. Review status: criteria provided, single submitter. Criteria: Invitae Variant Classification Sherloc (09022015). Collection method: clinical testing. Allele origin: germline.

CeGaT Center for Human Genetics Tuebingen
Classification: Likely benign. Last evaluated: 2022-07-01. Review status: criteria provided, single submitter. Criteria: CeGaT Center For Human Genetics Tuebingen Variant Classification Criteria Version 2. Collection method: clinical testing. Allele origin: germline. Affected: yes. Observed: 1 variant allele.
Comment: ABCC2: BP4, BP7